The following is an entry in ClinVar:

NM_015311.3(OBSL1):c.3941G>A (p.Arg1314Gln)

Gene: OBSL1 (obscurin like cytoskeletal adaptor 1; minus strand). Cytogenetic location: 2q35.
Variant type: single nucleotide variant.
Coding change: c.3941G>A on transcript NM_015311.3 (MANE Select); coding-DNA position 3941, G replaced by A.
Protein change: p.Arg1314Gln; replaces arginine 1314 with glutamine.
Molecular consequence: missense variant.
Genome position (GRCh38, 1-based): chr2:219,557,468, C>T on the plus strand (G>A on the coding strand, the complement: OBSL1 is on the minus strand). VCF-style: chr2-219557468-C-T. GRCh37 (hg19) VCF-style: chr2-220422190-C-T.
Other names: c.3941G>A, p.Arg1314Gln (NM_001173431.2); short protein forms R1314Q.
Identifiers: ClinVar variation 2634615 (VCV002634615.1), dbSNP rs760985580, ClinGen allele CA66028197.
Genomic context (GRCh38, chr2:219,557,468, plus strand): 5'-CCGCTCCGTGCCCCCTGCACCCGCAGCACCTGCCTGGCCCCGGCCTGCTCCAGCTGCACC[C>T]GCCCCTGGCTTGCCAGTCGCTCCCCGTCCTTGTACCAGCGTACAGGGCCCCCTGGCCCGG-3'
Protein context (NP_056126.1, residues 1304-1324): KDGERLASQG[Arg1314Gln]VQLEQAGARQ

ClinVar aggregate classification (germline): Uncertain significance (1 of 4 stars; one submission).

Conditions:
OBSL1-related disorder. Also called: OBSL1-related condition.

Allele frequency attached by ClinVar (database versions not stated): TOPMed 0.00002.
gnomAD v4.1: 13 of 1,551,542 alleles (0.00084%); highest among the groups gnomAD compares: Admixed American, 0.0078%; no homozygotes.

Submission:

PreventionGenetics, part of Exact Sciences
Classification: Uncertain significance for OBSL1-related condition. Last evaluated: 2022-09-29. Review status: criteria provided, single submitter. Criteria: ACMG Guidelines, 2015. Collection method: clinical testing. Allele origin: germline.
Comment: The OBSL1 c.3941G>A variant is predicted to result in the amino acid substitution p.Arg1314Gln. To our knowledge, this variant has not been reported in the literature. This variant is reported in 0.012% of alleles in individuals of Latino descent in gnomAD. At this time, the clinical significance of this variant is uncertain due to the absence of conclusive functional and genetic evidence.